The following is an entry in ClinVar:

NM_033100.4(CDHR1):c.2103C>T (p.Ala701=)

Gene: CDHR1 (cadherin related family member 1; plus strand). Cytogenetic location: 10q23.1.
Variant type: single nucleotide variant.
Coding change: c.2103C>T on transcript NM_033100.4 (MANE Select); coding-DNA position 2103, C replaced by T.
Protein change: p.Ala701=; no amino-acid change (alanine 701 retained).
Molecular consequence: synonymous variant. On other transcripts: intron variant (1).
Genome position (GRCh38, 1-based): chr10:84,214,144, C>T. VCF-style: chr10-84214144-C-T. GRCh37 (hg19) VCF-style: chr10-85973900-C-T.
Other names: c.2103C>T (NM_033100.3); c.2040+796C>T (NM_001171971.3).
Identifiers: ClinVar variation 1140103 (VCV001140103.11), dbSNP rs757519703, ClinGen allele CA5580147.
Genomic context (GRCh38, chr10:84,214,144, plus strand): 5'-CCTCTCCCGGAGCCCCATGGCTGCCTTCCTGATACAGACCAAGGACAACCCCATGAAGGC[C>T]GTGGGTGTGCTGGCCGGCACCATGGCCACCGTCGTGGCCATCACTGTCCTCATCTCCACC-3'
Protein context (NP_149091.1, residues 691-711): LIQTKDNPMK[Ala701=]VGVLAGTMAT

ClinVar aggregate classification (germline): Likely benign. Review status: criteria provided, multiple submitters, no conflicts (2 of 4 stars). 3 submissions from 3 submitters: Likely benign (3). Last evaluated 2026-05-06.

Conditions:
CDHR1-related disorder. Also called: CDHR1-related condition.

Allele frequency attached by ClinVar (database versions not stated): gnomAD exomes 0.00001 and 0.00004; ExAC 0.00002; TOPMed 0.00012; gnomAD 0.00015; 1000 Genomes Project 30x 0.00016.
gnomAD v4.1: 42 of 1,614,162 alleles (0.0026%); highest among the groups gnomAD compares: African/African-American, 0.045%; no homozygotes.

Submissions (3):

PreventionGenetics, part of Exact Sciences
Classification: Likely benign for CDHR1-related condition. Last evaluated: 2026-05-06. Review status: criteria provided, single submitter. Criteria: ACMG Guidelines, 2015. Collection method: clinical testing. Allele origin: germline.
Comment: This variant is classified as likely benign based on ACMG/AMP sequence variant interpretation guidelines (Richards et al. 2015 PMID: 25741868, with internal and published modifications).

Labcorp Genetics (formerly Invitae), Labcorp
Classification: Likely benign. Last evaluated: 2024-07-04. Review status: criteria provided, single submitter. Criteria: Invitae Variant Classification Sherloc (09022015). Collection method: clinical testing. Allele origin: germline.

Blueprint Genetics
Classification: Likely benign. Last evaluated: 2022-09-14. Review status: criteria provided, single submitter. Criteria: ACMG Guidelines, 2015. Collection method: clinical testing. Allele origin: germline.